The following is an entry in ClinVar:

ClinVar aggregate classification (germline): Pathogenic (1 of 4 stars; one submission).

Submission:

Labcorp Genetics (formerly Invitae), Labcorp
Classification: Pathogenic. Last evaluated: 2022-11-14. Review status: criteria provided, single submitter. Criteria: Invitae Variant Classification Sherloc (09022015). Collection method: clinical testing. Allele origin: germline.
Comment: This sequence change creates a premature translational stop signal (p.Arg241Leufs*12) in the SERPING1 gene. It is expected to result in an absent or disrupted protein product. Loss-of-function variants in SERPING1 are known to be pathogenic (PMID: 11112899, 24456027). This variant is not present in population databases (gnomAD no frequency). This variant has not been reported in the literature in individuals affected with SERPING1-related conditions. Algorithms developed to predict the effect of sequence changes on RNA splicing suggest that this variant may create or strengthen a splice site. For these reasons, this variant has been classified as Pathogenic.

Literature cited by the submitters: PubMed 11112899; PubMed 24456027.

NM_000062.3(SERPING1):c.720_721dup (p.Arg241fs)

Gene: SERPING1 (serpin family G member 1; plus strand). Cytogenetic location: 11q12.1.
Variant type: Microsatellite.
Coding change: c.720_721dup on transcript NM_000062.3 (MANE Select); coding-DNA positions 720 to 721, 2 bases duplicated (TC; older notation c.720_721dupTC).
Protein change: p.Arg241fs; shifts the reading frame from arginine 241.
Molecular consequence: frameshift variant.
Genome position (GRCh38, 1-based): chr11:57,606,044-57,606,045, TC duplicated; duplicating any 2 consecutive bases within chr11:57,606,041-57,606,045 gives the same sequence; the c. name uses the placement nearest the transcript's 3' end. VCF-style (leftmost placement, unchanged base first): chr11-57606040-C-CCT. GRCh37 (hg19) VCF-style: chr11-57373513-C-CCT.
Other names: c.720_721dup, p.Arg241fs (NM_001032295.2); short protein forms R241fs.
Identifiers: ClinVar variation 2814242 (VCV002814242.3), dbSNP rs2495440461, ClinGen allele CA2739270447.
Genomic context (GRCh38, chr11:57,606,040, plus strand): 5'-TCATGCCTCCCTTTCTCAACATACCCCCAGACCTGGCCATAAGGGACACCTTTGTGAATG[C>CCT]CTCTCGGACCCTGTACAGCAGCAGCCCCAGAGTCCTAAGCAACAACAGTGACGCCAACTT-3'